The following is an entry in ClinVar:

ClinVar aggregate classification (germline): Uncertain significance (1 of 4 stars; one submission).

Conditions:
Ullrich congenital muscular dystrophy 2 (UCMD2). Identifiers: Orphanet 75840, MedGen C4225314, MONDO:0014654, OMIM 616470.
Bethlem myopathy 2 (BTHLM2). Identifiers: Orphanet 536516, Orphanet 610, MedGen C4225313, MONDO:0034022, OMIM 616471.

Submission:

Labcorp Genetics (formerly Invitae), Labcorp
Classification: Uncertain significance for Bethlem myopathy 2; Ullrich congenital muscular dystrophy 2. Last evaluated: 2024-06-26. Review status: criteria provided, single submitter. Criteria: Invitae Variant Classification Sherloc (09022015). Collection method: clinical testing. Allele origin: germline.
Comment: This sequence change replaces glutamic acid, which is acidic and polar, with alanine, which is neutral and non-polar, at codon 642 of the COL12A1 protein (p.Glu642Ala). This variant is not present in population databases (gnomAD no frequency). This variant has not been reported in the literature in individuals affected with COL12A1-related conditions. ClinVar contains an entry for this variant (Variation ID: 837782). Advanced modeling of protein sequence and biophysical properties (such as structural, functional, and spatial information, amino acid conservation, physicochemical variation, residue mobility, and thermodynamic stability) performed at Invitae indicates that this missense variant is not expected to disrupt COL12A1 protein function with a negative predictive value of 80%. In summary, the available evidence is currently insufficient to determine the role of this variant in disease. Therefore, it has been classified as a Variant of Uncertain Significance.

NM_004370.6(COL12A1):c.1925A>C (p.Glu642Ala)

Gene: COL12A1 (collagen type XII alpha 1 chain; minus strand). Cytogenetic location: 6q13.
Variant type: single nucleotide variant.
Coding change: c.1925A>C on transcript NM_004370.6 (MANE Select); coding-DNA position 1925, A replaced by C.
Protein change: p.Glu642Ala; replaces glutamic acid 642 with alanine.
Molecular consequence: missense variant. On other transcripts: intron variant (1).
Genome position (GRCh38, 1-based): chr6:75,181,178, T>G on the plus strand (A>C on the coding strand, the complement: COL12A1 is on the minus strand). VCF-style: chr6-75181178-T-G. GRCh37 (hg19) VCF-style: chr6-75890894-T-G.
Other names: c.73+21542A>C (NM_080645.3); short protein forms E642A.
Identifiers: ClinVar variation 837782 (VCV000837782.10), dbSNP rs1769262393, ClinGen allele CA364767622.